The following is an entry in ClinVar:

ClinVar aggregate classification (germline): Uncertain significance (1 of 4 stars; one submission).

gnomAD v4.1: 51 of 1,588,302 alleles (0.0032%); highest among the groups gnomAD compares: Non-Finnish European, 0.0041%; no homozygotes.

Submission:

Labcorp Genetics (formerly Invitae), Labcorp
Classification: Uncertain significance. Last evaluated: 2025-01-05. Review status: criteria provided, single submitter. Criteria: Invitae Variant Classification Sherloc (09022015). Collection method: clinical testing. Allele origin: germline.
Comment: This sequence change replaces valine, which is neutral and non-polar, with isoleucine, which is neutral and non-polar, at codon 701 of the ADGRE2 protein (p.Val701Ile). This variant is present in population databases (rs746627329, gnomAD 0.007%). This variant has not been reported in the literature in individuals affected with ADGRE2-related conditions. An algorithm developed to predict the effect of missense changes on protein structure and function (PolyPhen-2) suggests that this variant is likely to be tolerated. In summary, the available evidence is currently insufficient to determine the role of this variant in disease. Therefore, it has been classified as a Variant of Uncertain Significance.

NM_013447.4(ADGRE2):c.2101G>A (p.Val701Ile)

Gene: ADGRE2 (adhesion G protein-coupled receptor E2; minus strand). Cytogenetic location: 19p13.12.
Variant type: single nucleotide variant.
Coding change: c.2101G>A on transcript NM_013447.4 (MANE Select); coding-DNA position 2101, G replaced by A.
Protein change: p.Val701Ile; replaces valine 701 with isoleucine.
Molecular consequence: missense variant.
Genome position (GRCh38, 1-based): chr19:14,746,314, C>T on the plus strand (G>A on the coding strand, the complement: ADGRE2 is on the minus strand). VCF-style: chr19-14746314-C-T. GRCh37 (hg19) VCF-style: chr19-14857126-C-T.
Other names: c.1927G>A, p.Val643Ile (NM_001271052.1); c.1954G>A, p.Val652Ile (NM_152916.2); c.1822G>A, p.Val608Ile (NM_152917.2); short protein forms V608I, V643I, V652I, V701I.
Identifiers: ClinVar variation 3605272 (VCV003605272.2).
Genomic context (GRCh38, chr19:14,746,314, plus strand): 5'-CTTCACTATTGAGGGAGGAGAGTCTGTTTTTCAAAATCCAGAGAGTCACCAGAAAGAGAA[C>T]TAAATTCACCTTCAGAAAACCACAGAAGATTTGTTGAATAGATTTTGAAACCTGTTATCT-3'
Protein context (NP_038475.2, residues 691-711): PVCAIFSVNL[Val701Ile]LFLVTLWILK